The following is an entry in ClinVar:

NM_000186.4(CFH):c.3481C>A (p.Pro1161Thr)

Gene: CFH (complement factor H; plus strand). Cytogenetic location: 1q31.3.
Variant type: single nucleotide variant.
Coding change: c.3481C>A on transcript NM_000186.4 (MANE Select); coding-DNA position 3481, C replaced by A.
Protein change: p.Pro1161Thr; replaces proline 1161 with threonine.
Molecular consequence: missense variant.
Genome position (GRCh38, 1-based): chr1:196,745,987, C>A. VCF-style: chr1-196745987-C-A. GRCh37 (hg19) VCF-style: chr1-196715117-C-A.
Other names: short protein forms P1161T.
Identifiers: ClinVar variation 4291583 (VCV004291583.1).
Genomic context (GRCh38, chr1:196,745,987, plus strand): 5'-TTGTATCAACTTGAGGGTAACAAGCGAATAACATGTAGAAATGGACAATGGTCAGAACCA[C>A]CAAAATGCTTACGTAAGTACTTTAATATTCACGTGGCTGGAAAAATCTCTGTGATGAGTC-3'
Protein context (NP_000177.2, residues 1151-1171): TCRNGQWSEP[Pro1161Thr]KCLHPCVISR

ClinVar aggregate classification (germline): Uncertain significance (1 of 4 stars; one submission).

Conditions:
Atypical hemolytic-uremic syndrome. Identifiers: Orphanet 2134, MedGen C2931788, MONDO:0016244.

Submission:

Genomenon, Inc
Classification: Uncertain significance for Atypical hemolytic-uremic syndrome. Last evaluated: 2025-10-02. Review status: criteria provided, single submitter. Criteria: Genomenon Sequence Variant Interpretation Standards - Updated. Collection method: curation. Allele origin: germline. Affected: yes.
Comment: CFH p.Pro1161Thr (c.3481C>A) is a missense variant that changes the amino acid at residue 1161 from Proline to Threonine. This variant has been observed in at least one proband affected with atypical hemolytic-uremic syndrome (PMID:26826462). Functional studies have been reported (PMID:34189567). It is absent or not present at a significant frequency in gnomAD. In silico models agree that this variant is possibly or probably damaging. In conclusion, we classify CFH p.Pro1161Thr (c.3481C>A) as a variant of uncertain significance.

Literature cited by the submitters: PubMed 26826462; PubMed 34189567.